The following is an entry in ClinVar:

ClinVar aggregate classification (germline): Uncertain significance (1 of 4 stars; one submission).

Conditions:
Severe combined immunodeficiency due to IKK2 deficiency. Also called: IMMUNODEFICIENCY 15B; Immunodeficiency 15. Identifiers: Orphanet 397787, MedGen C4747743, MONDO:0014267, OMIM 615592.

Allele frequency attached by ClinVar (database versions not stated): ExAC 0.00001; gnomAD 0.00001; gnomAD exomes 0.00001.
gnomAD v4.1: 6 of 1,611,574 alleles (0.00037%); highest among the groups gnomAD compares: Admixed American, 0.0033%; no homozygotes.

Submission:

Labcorp Genetics (formerly Invitae), Labcorp
Classification: Uncertain significance for Severe combined immunodeficiency due to IKK2 deficiency. Last evaluated: 2025-06-06. Review status: criteria provided, single submitter. Criteria: Invitae Variant Classification Sherloc (09022015). Collection method: clinical testing. Allele origin: germline.
Comment: This sequence change replaces isoleucine, which is neutral and non-polar, with valine, which is neutral and non-polar, at codon 314 of the IKBKB protein (p.Ile314Val). This variant is present in population databases (rs201912118, gnomAD 0.006%). This variant has not been reported in the literature in individuals affected with IKBKB-related conditions. ClinVar contains an entry for this variant (Variation ID: 941264). Invitae Evidence Modeling of protein sequence and biophysical properties (such as structural, functional, and spatial information, amino acid conservation, physicochemical variation, residue mobility, and thermodynamic stability) indicates that this missense variant is not expected to disrupt IKBKB protein function with a negative predictive value of 95%. In summary, the available evidence is currently insufficient to determine the role of this variant in disease. Therefore, it has been classified as a Variant of Uncertain Significance.

NM_001556.3(IKBKB):c.940A>G (p.Ile314Val)

Gene: IKBKB (inhibitor of nuclear factor kappa B kinase subunit beta; plus strand). Cytogenetic location: 8p11.21.
Variant type: single nucleotide variant.
Coding change: c.940A>G on transcript NM_001556.3 (MANE Select); coding-DNA position 940, A replaced by G.
Protein change: p.Ile314Val; replaces isoleucine 314 with valine.
Molecular consequence: missense variant. On other transcripts: non-coding transcript variant (3).
Genome position (GRCh38, 1-based): chr8:42,316,719, A>G. VCF-style: chr8-42316719-A-G. GRCh37 (hg19) VCF-style: chr8-42174237-A-G.
Other names: c.748A>G, p.Ile250Val (NM_001190720.3); c.763A>G, p.Ile255Val (NM_001242778.2); short protein forms I255V, I250V, I314V.
Identifiers: ClinVar variation 941264 (VCV000941264.7), dbSNP rs201912118, ClinGen allele CA4731851.